The following is an entry in ClinVar:

NM_001079668.3(NKX2-1):c.316C>T (p.Pro106Ser)

Genes: NKX2-1 (NK2 homeobox 1; minus strand), SFTA3 (surfactant associated 3; minus strand). Cytogenetic location: 14q13.3.
Variant type: single nucleotide variant.
Coding change: c.316C>T on transcript NM_001079668.3 (MANE Select); coding-DNA position 316, C replaced by T.
Protein change: p.Pro106Ser; replaces proline 106 with serine.
Molecular consequence: missense variant.
Genome position (GRCh38, 1-based): chr14:36,519,132, G>A on the plus strand (C>T on the coding strand, the complement: NKX2-1 is on the minus strand). VCF-style: chr14-36519132-G-A. GRCh37 (hg19) VCF-style: chr14-36988337-G-A.
Other names: c.226C>T, p.Pro76Ser (NM_003317.4); short protein forms P106S, P76S.
Identifiers: ClinVar variation 1321124 (VCV001321124.4), dbSNP rs746531863, ClinGen allele CA7158547.

ClinVar aggregate classification (germline): Uncertain significance. Review status: criteria provided, multiple submitters, no conflicts (2 of 4 stars). 2 submissions from 2 submitters: Uncertain significance (2). Last evaluated 2022-04-21.

Allele frequency attached by ClinVar (database versions not stated): ExAC 0.00001; gnomAD 0.00001; TOPMed 0.00001.

Submissions (2):

Greenwood Genetic Center Diagnostic Laboratories, Greenwood Genetic Center
Classification: Uncertain significance. Last evaluated: 2022-04-21. Review status: criteria provided, single submitter. Criteria: ACMG Guidelines, 2015. Collection method: clinical testing. Allele origin: germline. Affected: yes.
Comment: PM2

GeneDx
Classification: Uncertain significance. Last evaluated: 2019-04-13. Review status: criteria provided, single submitter. Criteria: GeneDx Variant Classification Process June 2021. Collection method: clinical testing. Allele origin: germline. Affected: yes.
Comment: Has not been previously published as pathogenic or benign to our knowledge